The following is an entry in ClinVar:

NM_021098.3(CACNA1H):c.3488G>A (p.Arg1163His)

Gene: CACNA1H (calcium voltage-gated channel subunit alpha1 H; plus strand). Cytogenetic location: 16p13.3.
Variant type: single nucleotide variant.
Coding change: c.3488G>A on transcript NM_021098.3 (MANE Select); coding-DNA position 3488, G replaced by A.
Protein change: p.Arg1163His; replaces arginine 1163 with histidine.
Molecular consequence: missense variant.
Genome position (GRCh38, 1-based): chr16:1,209,156, G>A. VCF-style: chr16-1209156-G-A. GRCh37 (hg19) VCF-style: chr16-1259156-G-A.
Other names: c.3488G>A, p.Arg1163His (NM_001005407.2); short protein forms R1163H.
Identifiers: ClinVar variation 2187765 (VCV002187765.4), dbSNP rs774828631, ClinGen allele CA7800779.
Genomic context (GRCh38, chr16:1,209,156, plus strand): 5'-CCAGCTGGAGCAGCCTGGGCCGTGCCCCCAGCCTCAAGCGCCGCGGCCAGTGTGGGGAAC[G>A]TGAGTCCCTGCTGTCTGGCGAGGGCAAGGGCAGCACCGACGACGAAGCTGAGGACGGCAG-3'
Protein context (NP_066921.2, residues 1153-1173): SLKRRGQCGE[Arg1163His]ESLLSGEGKG

ClinVar aggregate classification (germline): Uncertain significance (1 of 4 stars; one submission).

Conditions:
Idiopathic generalized epilepsy. Also called: Generalised epilepsy; EIG. Identifiers: MedGen C0270850, MONDO:0005579, OMIM 600669.
Hyperaldosteronism, familial, type IV (HALD4). Also called: FH IV; ALDOSTERONISM, PRIMARY, AND HYPERTENSION. Identifiers: Orphanet 642671, MedGen C4310756, MONDO:0014875, OMIM 617027.

Allele frequency attached by ClinVar (database versions not stated): gnomAD 0.00002; TOPMed 0.00003; ExAC 0.00008.
gnomAD v4.1: 30 of 1,553,440 alleles (0.0019%); highest among the groups gnomAD compares: African/African-American, 0.0055%; no homozygotes.

Submission:

Labcorp Genetics (formerly Invitae), Labcorp
Classification: Uncertain significance for Idiopathic generalized epilepsy; Hyperaldosteronism, familial, type IV. Last evaluated: 2023-12-21. Review status: criteria provided, single submitter. Criteria: Invitae Variant Classification Sherloc (09022015). Collection method: clinical testing. Allele origin: germline.
Comment: This sequence change replaces arginine, which is basic and polar, with histidine, which is basic and polar, at codon 1163 of the CACNA1H protein (p.Arg1163His). The frequency data for this variant in the population databases is considered unreliable, as metrics indicate poor data quality at this position in the gnomAD database. This variant has not been reported in the literature in individuals affected with CACNA1H-related conditions. ClinVar contains an entry for this variant (Variation ID: 2187765). Advanced modeling of protein sequence and biophysical properties (such as structural, functional, and spatial information, amino acid conservation, physicochemical variation, residue mobility, and thermodynamic stability) performed at Invitae indicates that this missense variant is not expected to disrupt CACNA1H protein function with a negative predictive value of 80%. In summary, the available evidence is currently insufficient to determine the role of this variant in disease. Therefore, it has been classified as a Variant of Uncertain Significance.